The following is an entry in ClinVar:

NM_201253.3(CRB1):c.707G>A (p.Gly236Asp)

Gene: CRB1 (crumbs cell polarity complex component 1; plus strand). Cytogenetic location: 1q31.3.
Variant type: single nucleotide variant.
Coding change: c.707G>A on transcript NM_201253.3 (MANE Select); coding-DNA position 707, G replaced by A.
Protein change: p.Gly236Asp; replaces glycine 236 with aspartic acid.
Molecular consequence: missense variant. On other transcripts: non-coding transcript variant (2), intron variant (1).
Genome position (GRCh38, 1-based): chr1:197,344,335, G>A. VCF-style: chr1-197344335-G-A. GRCh37 (hg19) VCF-style: chr1-197313465-G-A.
Other names: c.500G>A, p.Gly167Asp (NM_001257965.2); c.707G>A, p.Gly236Asp (NM_001257966.2); c.653-12496G>A (NM_001193640.2); short protein forms G167D, G236D.
Identifiers: ClinVar variation 1436344 (VCV001436344.6), dbSNP rs778322895, ClinGen allele CA1311692.

ClinVar aggregate classification (germline): Uncertain significance. Review status: criteria provided, multiple submitters, no conflicts (2 of 4 stars). 2 submissions from 2 submitters: Uncertain significance (2). Last evaluated 2022-10-17.

Conditions:
Leber congenital amaurosis 8 (LCA8). Identifiers: Orphanet 65, MedGen C3151202, MONDO:0013453, OMIM 613835.
Retinitis pigmentosa 12 (RP12). Also called: RP WITH OR WITHOUT PRESERVED PARAARTERIOLE RETINAL PIGMENT EPITHELIUM; RETINITIS PIGMENTOSA WITH OR WITHOUT PARAARTERIOLAR PRESERVATION OF RETINAL PIGMENT EPITHELIUM; RP WITH OR WITHOUT PPRPE. Identifiers: Orphanet 791, MedGen C1838647, MONDO:0010818, OMIM 600105.

Allele frequency attached by ClinVar (database versions not stated): gnomAD 0.00001; gnomAD exomes 0.00001 and 0.00003; ExAC 0.00002; TOPMed 0.00002.
gnomAD v4.1: 10 of 1,613,964 alleles (0.00062%); highest among the groups gnomAD compares: Admixed American, 0.017%; no homozygotes.

Submissions (2):

Labcorp Genetics (formerly Invitae), Labcorp
Classification: Uncertain significance for Leber congenital amaurosis 8; Retinitis pigmentosa 12. Last evaluated: 2022-10-17. Review status: criteria provided, single submitter. Criteria: Invitae Variant Classification Sherloc (09022015). Collection method: clinical testing. Allele origin: germline.
Comment: This sequence change replaces glycine, which is neutral and non-polar, with aspartic acid, which is acidic and polar, at codon 236 of the CRB1 protein (p.Gly236Asp). This variant is present in population databases (rs778322895, gnomAD 0.02%). This variant has not been reported in the literature in individuals affected with CRB1-related conditions. ClinVar contains an entry for this variant (Variation ID: 1436344). Advanced modeling of protein sequence and biophysical properties (such as structural, functional, and spatial information, amino acid conservation, physicochemical variation, residue mobility, and thermodynamic stability) performed at Invitae indicates that this missense variant is expected to disrupt CRB1 protein function. In summary, the available evidence is currently insufficient to determine the role of this variant in disease. Therefore, it has been classified as a Variant of Uncertain Significance.

Blueprint Genetics
Classification: Uncertain significance. Last evaluated: 2019-04-02. Review status: criteria provided, single submitter. Criteria: ACMG Guidelines, 2015. Collection method: clinical testing. Allele origin: germline.